The following is an entry in ClinVar:

NM_000092.5(COL4A4):c.4544_4556del (p.Pro1515fs)

Gene: COL4A4 (collagen type IV alpha 4 chain; minus strand). Cytogenetic location: 2q36.3.
Variant type: Deletion.
Coding change: c.4544_4556del on transcript NM_000092.5 (MANE Select); coding-DNA positions 4544 to 4556, 13 bases deleted (CCGTATTTAGCAC).
Protein change: p.Pro1515fs; shifts the reading frame from proline 1515.
Molecular consequence: frameshift variant.
Genome position (GRCh38, 1-based): chr2:227,008,271-227,008,283, GTGCTAAATACGG deleted on the plus strand (CCGTATTTAGCAC on the coding strand, the reverse complement: COL4A4 is on the minus strand); deleting any 13 consecutive bases within chr2:227,008,271-227,008,284 gives the same sequence; the c. name uses the placement nearest the transcript's 3' end. VCF-style (leftmost placement, unchanged base first): chr2-227008270-CGTGCTAAATACGG-C. GRCh37 (hg19) VCF-style: chr2-227872986-CGTGCTAAATACGG-C.
Other names: short protein forms P1515fs.
Identifiers: ClinVar variation 1072799 (VCV001072799.8), dbSNP rs2149722718, ClinGen allele CA2499215693.

ClinVar aggregate classification (germline): Pathogenic/Likely pathogenic. Review status: criteria provided, multiple submitters, no conflicts (2 of 4 stars). 2 submissions from 2 submitters: Pathogenic (1); Likely pathogenic (1). Last evaluated 2021-10-08.

Conditions:
Autosomal recessive Alport syndrome (ATS2). Also called: COL4A4 Alport Syndrome and Thin Basement Membrane Nephropathy; ALPORT SYNDROME 2, AUTOSOMAL RECESSIVE; Alport syndrome type 2; COL4A3-Related Nephropathy. Identifiers: Orphanet 63, Orphanet 88919, MedGen C4746745, MONDO:0008762, OMIM 203780.
Benign familial hematuria. Also called: thin basement membrane disease. Identifiers: MedGen C0241908, MONDO:0957317.

Submissions (2):

Fulgent Genetics
Classification: Likely pathogenic for Hematuria, benign familial, 1; Autosomal recessive Alport syndrome. Last evaluated: 2021-10-08. Review status: criteria provided, single submitter. Criteria: ACMG Guidelines, 2015. Collection method: clinical testing. Allele origin: unknown.

Labcorp Genetics (formerly Invitae), Labcorp
Classification: Pathogenic. Last evaluated: 2020-10-01. Review status: criteria provided, single submitter. Criteria: Invitae Variant Classification Sherloc (09022015). Collection method: clinical testing. Allele origin: germline.
Comment: This sequence change creates a premature translational stop signal (p.Pro1515Argfs*33) in the COL4A4 gene. It is expected to result in an absent or disrupted protein product. For these reasons, this variant has been classified as Pathogenic. Loss-of-function variants in COL4A4 are known to be pathogenic (PMID: 21196518, 24854265, 25307543). This variant has not been reported in the literature in individuals with COL4A4-related conditions. This variant is not present in population databases (ExAC no frequency).

Literature cited by the submitters: PubMed 21196518 (cited by Labcorp Genetics (formerly Invitae), Labcorp); PubMed 24854265 (cited by Labcorp Genetics (formerly Invitae), Labcorp); PubMed 25307543 (cited by Labcorp Genetics (formerly Invitae), Labcorp).